The following is an entry in ClinVar:

ClinVar aggregate classification (germline): Uncertain significance. Review status: criteria provided, multiple submitters, no conflicts (2 of 4 stars). 2 submissions from 2 submitters: Uncertain significance (2). Last evaluated 2024-07-10.

Conditions:
Familial hypercholesterolemia. Also called: Familial hypercholesterolemias; Familial hypercholesterolaemia. Identifiers: MedGen C0020445, MONDO:0005439.
Hypercholesterolemia, autosomal dominant, 3 (FHCL3). Also called: Familial hypercholesterolemia 3; Familial Hypercholesterolemia, Autosomal Dominant, 3; PCSK9-Related Familial Hypercholesterolemia, Autosomal Dominant. Identifiers: MedGen C1863551, MONDO:0011369, OMIM 603776.

Allele frequency attached by ClinVar (database versions not stated): gnomAD exomes below 0.00001 and 0.00001.
gnomAD v4.1: 8 of 1,612,970 alleles (0.0005%); highest among the groups gnomAD compares: Non-Finnish European, 0.00068%; no homozygotes.

Submissions (2):

All of Us Research Program, National Institutes of Health
Classification: Uncertain significance for Hypercholesterolemia, autosomal dominant, 3. Last evaluated: 2024-07-10. Review status: criteria provided, single submitter. Criteria: ACMG Guidelines, 2015. Collection method: clinical testing. Allele origin: germline. Inheritance: Autosomal dominant inheritance. Observed: 1 variant allele, 1 heterozygote.
Comment: Variant of Uncertain Significance due to insufficient evidence: This missense variant is located in the C-terminal domain of the PCSK9 protein. Computational prediction tools and conservation analyses are inconclusive regarding the impact of this variant on the protein function. Computational splicing tools suggest that this variant may not impact RNA splicing. To our knowledge, functional assays have not been performed for this variant nor has this variant been reported in individuals affected with familial hypercholesterolemia in the literature. This variant has been identified in 1/244308 chromosomes in the general population by the Genome Aggregation Database (gnomAD). Available evidence is insufficient to determine the pathogenicity of this variant conclusively.

This study involves interpretation of variants in research participants for the purpose of population health screening. Participant phenotype was not available at the time of variant classification. Additional details can be found in publication PMID: 35346344, PMCID: PMC8962531

Color Diagnostics, LLC DBA Color Health
Classification: Uncertain significance for Familial hypercholesterolemia. Last evaluated: 2024-06-19. Review status: criteria provided, single submitter. Criteria: ACMG Guidelines, 2015. Collection method: clinical testing. Allele origin: germline.
Comment: This missense variant replaces proline with serine at codon 445 of the PCSK9 protein. Computational prediction tools indicate that this variant has a neutral impact on protein structure and function. To our knowledge, functional studies have not been reported for this variant. This variant has not been reported in individuals affected with PCSK9-related disorders in the literature. This variant has been identified in 1/248778 chromosomes in the general population by the Genome Aggregation Database (gnomAD). The available evidence is insufficient to determine the role of this variant in disease conclusively. Therefore, this variant is classified as a Variant of Uncertain Significance.

NM_174936.4(PCSK9):c.1333C>T (p.Pro445Ser)

Gene: PCSK9 (proprotein convertase subtilisin/kexin type 9; plus strand). Cytogenetic location: 1p32.3.
Variant type: single nucleotide variant.
Coding change: c.1333C>T on transcript NM_174936.4 (MANE Select); coding-DNA position 1333, C replaced by T.
Protein change: p.Pro445Ser; replaces proline 445 with serine.
Molecular consequence: missense variant.
Genome position (GRCh38, 1-based): chr1:55,058,188, C>T. VCF-style: chr1-55058188-C-T. GRCh37 (hg19) VCF-style: chr1-55523861-C-T.
Other names: short protein forms P445S.
Identifiers: ClinVar variation 921267 (VCV000921267.5), dbSNP rs761383351, ClinGen allele CA22764251.